The following is an entry in ClinVar:

NM_001382567.1(STIM1):c.1960G>A (p.Asp654Asn)

Genes: STIM1 (stromal interaction molecule 1; plus strand), LOC124418421 (Sharpr-MPRA regulatory region 9588; plus strand). Cytogenetic location: 11p15.4.
Variant type: single nucleotide variant.
Coding change: c.1960G>A on transcript NM_001382567.1 (MANE Select); coding-DNA position 1960, G replaced by A.
Protein change: p.Asp654Asn; replaces aspartic acid 654 with asparagine.
Molecular consequence: missense variant. On other transcripts: 3 prime UTR variant (4), non-coding transcript variant (3).
Genome position (GRCh38, 1-based): chr11:4,091,607, G>A. VCF-style: chr11-4091607-G-A. GRCh37 (hg19) VCF-style: chr11-4112837-G-A.
Other names: c.2185G>A, p.Asp729Asn (NM_001277961.3); c.*281G>A (NM_001277962.2, NM_001382578.1, NM_001382579.1 and 1 more transcripts); c.1963G>A, p.Asp655Asn (NM_001382566.1); c.1888G>A, p.Asp630Asn (NM_001382568.1); c.1732G>A, p.Asp578Asn (NM_001382569.1); c.1639G>A, p.Asp547Asn (NM_001382570.1); c.1387G>A, p.Asp463Asn (NM_001382571.1); c.1645G>A, p.Asp549Asn (NM_001382575.1, NM_001382576.1, NM_001382577.1); and 2 more; short protein forms D623N, D729N, D460N, D463N, D547N, D549N, D578N, D630N.
Identifiers: ClinVar variation 568211 (VCV000568211.8), dbSNP rs765041336, ClinGen allele CA5830642.

ClinVar aggregate classification (germline): Uncertain significance (1 of 4 stars; one submission).

Conditions:
Combined immunodeficiency due to STIM1 deficiency. Also called: STIM1 DEFICIENCY; IMMUNODEFICIENCY 10. Identifiers: Orphanet 169090, Orphanet 317430, MedGen C2748557, MONDO:0013008, OMIM 612783.
Myopathy with tubular aggregates (TAM). Also called: Tubular Aggregate Myopathy. Identifiers: Orphanet 2593, MedGen C0410207, MONDO:0008051.
Stormorken syndrome (STRMK). Also called: THROMBOCYTOPATHY, ASPLENIA, AND MIOSIS. Identifiers: Orphanet 3204, MedGen C1861451, MONDO:0008497, OMIM 185070.

Allele frequency attached by ClinVar (database versions not stated): ExAC 0.00001; gnomAD 0.00001; gnomAD exomes 0.00001; TOPMed 0.00005.
gnomAD v4.1: 6 of 1,614,012 alleles (0.00037%); highest among the groups gnomAD compares: Admixed American, 0.01%; no homozygotes.

Submission:

Labcorp Genetics (formerly Invitae), Labcorp
Classification: Uncertain significance for Myopathy with tubular aggregates; Combined immunodeficiency due to STIM1 deficiency; Stormorken syndrome. Last evaluated: 2024-12-11. Review status: criteria provided, single submitter. Criteria: Invitae Variant Classification Sherloc (09022015). Collection method: clinical testing. Allele origin: germline.
Comment: This sequence change replaces aspartic acid, which is acidic and polar, with asparagine, which is neutral and polar, at codon 623 of the STIM1 protein (p.Asp623Asn). This variant is present in population databases (rs765041336, gnomAD 0.009%). This variant has not been reported in the literature in individuals affected with STIM1-related conditions. ClinVar contains an entry for this variant (Variation ID: 568211). Invitae Evidence Modeling of protein sequence and biophysical properties (such as structural, functional, and spatial information, amino acid conservation, physicochemical variation, residue mobility, and thermodynamic stability) has been performed for this missense variant. However, the output from this modeling did not meet the statistical confidence thresholds required to predict the impact of this variant on STIM1 protein function. In summary, the available evidence is currently insufficient to determine the role of this variant in disease. Therefore, it has been classified as a Variant of Uncertain Significance.